The following is an entry in ClinVar:

NM_001378454.1(ALMS1):c.7032C>G (p.Cys2344Trp)

Gene: ALMS1 (ALMS1 centrosome and basal body associated protein; plus strand). Cytogenetic location: 2p13.1.
Variant type: single nucleotide variant.
Coding change: c.7032C>G on transcript NM_001378454.1 (MANE Select); coding-DNA position 7032, C replaced by G.
Protein change: p.Cys2344Trp; replaces cysteine 2344 with tryptophan.
Molecular consequence: missense variant.
Genome position (GRCh38, 1-based): chr2:73,453,559, C>G. VCF-style: chr2-73453559-C-G. GRCh37 (hg19) VCF-style: chr2-73680686-C-G.
Other names: c.7035C>G, p.Cys2345Trp (NM_015120.4); short protein forms C2344W, C2345W.
Identifiers: ClinVar variation 2564330 (VCV002564330.3), dbSNP rs766399391, ClinGen allele CA1714170.

ClinVar aggregate classification (germline): Uncertain significance. Review status: criteria provided, multiple submitters, no conflicts (2 of 4 stars). 2 submissions from 2 submitters: Uncertain significance (2). Last evaluated 2023-04-07.

Conditions:
Cardiovascular phenotype. Identifiers: MedGen CN230736.

Allele frequency attached by ClinVar (database versions not stated): gnomAD exomes below 0.00001; TOPMed below 0.00001; ExAC 0.00001.
gnomAD v4.1: 5 of 1,613,690 alleles (0.00031%); highest among the groups gnomAD compares: East Asian, 0.011%; no homozygotes.

Submissions (2):

Ambry Genetics
Classification: Uncertain significance for Cardiovascular phenotype. Last evaluated: 2023-04-07. Review status: criteria provided, single submitter. Criteria: Ambry Variant Classification Scheme 2023. Collection method: clinical testing. Allele origin: germline.
Comment: The p.C2345W variant (also known as c.7035C>G), located in coding exon 8 of the ALMS1 gene, results from a C to G substitution at nucleotide position 7035. The cysteine at codon 2345 is replaced by tryptophan, an amino acid with highly dissimilar properties. This amino acid position is not well conserved in available vertebrate species. In addition, the in silico prediction for this alteration is inconclusive. Since supporting evidence is limited at this time, the clinical significance of this alteration remains unclear.

Blueprint Genetics
Classification: Uncertain significance. Last evaluated: 2021-07-13. Review status: criteria provided, single submitter. Criteria: ACMG Guidelines, 2015. Collection method: clinical testing. Allele origin: germline.